The following is an entry in ClinVar:

NM_000065.5(C6):c.2435C>T (p.Thr812Ile)

Gene: C6 (complement C6; minus strand). Cytogenetic location: 5p13.1.
Variant type: single nucleotide variant.
Coding change: c.2435C>T on transcript NM_000065.5 (MANE Select); coding-DNA position 2435, C replaced by T.
Protein change: p.Thr812Ile; replaces threonine 812 with isoleucine.
Molecular consequence: missense variant.
Genome position (GRCh38, 1-based): chr5:41,149,429, G>A on the plus strand (C>T on the coding strand, the complement: C6 is on the minus strand). VCF-style: chr5-41149429-G-A. GRCh37 (hg19) VCF-style: chr5-41149531-G-A.
Other names: c.2435C>T, p.Thr812Ile (NM_001115131.4); short protein forms T812I.
Identifiers: ClinVar variation 786054 (VCV000786054.11), dbSNP rs61733158, ClinGen allele CA3252116.
Genomic context (GRCh38, chr5:41,149,429, plus strand): 5'-AGAAAATGGAGTTGCTGATTATTTAAACATTTCTCAGCCAAAAACTTACAAGCGGGTGAA[G>A]TAAAGTAATCGTTGGAGTCTGTGTCAAACACACAGAGATCTTCTGAATGATGGCTGCCCA-3'
Protein context (NP_000056.2, residues 802-822): VFDTDSNDYF[Thr812Ile]SPACKFLAEK

ClinVar aggregate classification (germline): Benign/Likely benign. Review status: criteria provided, multiple submitters, no conflicts (2 of 4 stars). 3 submissions from 3 submitters: Benign (2); Likely benign (1). Last evaluated 2026-01-28.

Allele frequency attached by ClinVar (database versions not stated): gnomAD exomes 0.00142; ExAC 0.00166; gnomAD 0.00458 and 0.00498; ESP Exome Variant Server 0.00538; TOPMed 0.00538; 1000 Genomes Project 0.00619; 1000 Genomes Project 30x 0.00671.
gnomAD v4.1: 1,361 of 1,614,086 alleles (0.084%); highest among the groups gnomAD compares: African/African-American, 1.6%; 15 homozygotes.

Submissions (3):

Women's Health and Genetics/Laboratory Corporation of America, LabCorp
Classification: Likely benign. Last evaluated: 2026-01-28. Review status: criteria provided, single submitter. Criteria: LabCorp Variant Classification Summary - May 2015. Collection method: clinical testing. Allele origin: germline.
Comment: Variant summary: C6 c.2435C>T (p.Thr812Ile) results in a non-conservative amino acid change in the encoded protein sequence. Algorithms developed to predict the effect of missense changes on protein structure and function are either unavailable or do not agree on the potential impact of this missense change. The variant allele was found at a frequency of 0.0014 in 250672 control chromosomes, predominantly at a frequency of 0.018 within the African or African-American subpopulation in the gnomAD database, including 7 homozygotes. The observed variant frequency within African or African-American control individuals in the gnomAD database exceeds the estimated maximal expected allele frequency for disease-causing variants in C6. To our knowledge, no occurrence of c.2435C>T in individuals affected with C6-related conditions and no experimental evidence demonstrating its impact on protein function have been reported. ClinVar contains an entry for this variant (Variation ID: 786054). Based on the evidence outlined above, the variant was classified as likely benign.

Labcorp Genetics (formerly Invitae), Labcorp
Classification: Benign. Last evaluated: 2026-01-24. Review status: criteria provided, single submitter. Criteria: Invitae Variant Classification Sherloc (09022015). Collection method: clinical testing. Allele origin: germline.

Breakthrough Genomics
Classification: Benign. Review status: criteria provided, single submitter. Criteria: ACMG Guidelines, 2015. Collection method: not provided. Allele origin: germline. Inheritance: Autosomal recessive inheritance. Affected: yes.